The following is an entry in ClinVar:

NM_024312.5(GNPTAB):c.1509_1510delinsC (p.Tyr504fs)

Gene: GNPTAB (N-acetylglucosamine-1-phosphate transferase subunits alpha and beta; minus strand). Cytogenetic location: 12q23.2.
Variant type: Indel.
Coding change: c.1509_1510delinsC on transcript NM_024312.5 (MANE Select); coding-DNA positions 1509 to 1510, TT replaced by C.
Protein change: p.Tyr504fs; shifts the reading frame from tyrosine 504.
Molecular consequence: frameshift variant.
Genome position (GRCh38, 1-based): chr12:101,766,193-101,766,194, AA replaced by G on the plus strand (TT replaced by C on the coding strand, the reverse complement: GNPTAB is on the minus strand). VCF-style: chr12-101766193-AA-G. GRCh37 (hg19) VCF-style: chr12-102159971-AA-G.
Other names: short protein forms Y504fs.
Identifiers: ClinVar variation 5015221 (VCV005015221.1).

ClinVar aggregate classification (germline): Pathogenic (1 of 4 stars; one submission).

Conditions:
GNPTAB-mucolipidosis. Also called: UDP-N-acetylglucosamine-1-phosphotransferase subunit alpha/beta deficiency. Identifiers: MedGen CN322573, MONDO:0100122.

Submission:

Myriad Genetics, Inc.
Classification: Pathogenic for GNPTAB-mucolipidosis. Last evaluated: 2025-11-14. Review status: criteria provided, single submitter. Criteria: Myriad Autosomal Dominant, Autosomal Recessive and X-Linked Classification Criteria (2023). Collection method: clinical testing. Allele origin: unknown.
Comment: NM_024312.4(GNPTAB):c.1509_1510delTTinsC(Y504Tfs*43) is expected to be pathogenic in the context of GNPTAB-related disorders. This variant is predicted to lead to an abnormal or absent protein product due to the creation of a premature termination codon in GNPTAB, a gene where loss-of-function variants are known to be pathogenic. Please note: this variant was assessed in the context of healthy population screening.